The following is an entry in ClinVar:

NM_001242896.3(DEPDC5):c.3604C>T (p.Pro1202Ser)

Gene: DEPDC5 (DEP domain containing 5, GATOR1 subcomplex subunit; plus strand). Cytogenetic location: 22q12.3.
Variant type: single nucleotide variant.
Coding change: c.3604C>T on transcript NM_001242896.3 (MANE Select); coding-DNA position 3604, C replaced by T.
Protein change: p.Pro1202Ser; replaces proline 1202 with serine.
Molecular consequence: missense variant. On other transcripts: non-coding transcript variant (4).
Genome position (GRCh38, 1-based): chr22:31,874,313, C>T. VCF-style: chr22-31874313-C-T. GRCh37 (hg19) VCF-style: chr22-32270299-C-T.
Other names: c.3577C>T, p.Pro1193Ser (NM_001136029.4); c.3304C>T, p.Pro1102Ser (NM_001242897.2); c.3538C>T, p.Pro1180Ser (NM_001363852.2, NM_001364320.2); c.3370C>T, p.Pro1124Ser (NM_001363854.2, NM_001364319.2); c.3604C>T, p.Pro1202Ser (NM_001364318.2); c.3520C>T, p.Pro1174Ser (NM_001369901.1, NM_001369902.1); c.3511C>T, p.Pro1171Ser (NM_001369903.1, NM_014662.6); short protein forms P1102S, P1124S, P1171S, P1174S, P1180S, P1193S, P1202S.
Identifiers: ClinVar variation 3363659 (VCV003363659.2).
Genomic context (GRCh38, chr22:31,874,313, plus strand): 5'-TTCACCGTGTTGGAACCCAGGACAGGAGTCCAGCTGCTCTCTGAACAGAAGGGCCTCTCA[C>T]CGTACTGCTTCATCAGCGCGGAGGTGGTACACTGGTTGGTGAACCACGTGGAGGGGATCC-3'
Protein context (NP_001229825.1, residues 1192-1212): QLLSEQKGLS[Pro1202Ser]YCFISAEVVH

ClinVar aggregate classification (germline): Uncertain significance. Review status: criteria provided, multiple submitters, no conflicts (2 of 4 stars). 2 submissions from 2 submitters: Uncertain significance (2). Last evaluated 2025-04-01.

Conditions:
Familial focal epilepsy with variable foci (FPEVF). Identifiers: Orphanet 98820, MedGen C1858477, MONDO:0020310.

gnomAD v4.1: 2 of 1,609,180 alleles (0.00012%); highest among the groups gnomAD compares: South Asian, 0.0011%; no homozygotes.

Submissions (2):

Labcorp Genetics (formerly Invitae), Labcorp
Classification: Uncertain significance for Familial focal epilepsy with variable foci. Last evaluated: 2025-04-01. Review status: criteria provided, single submitter. Criteria: Invitae Variant Classification Sherloc (09022015). Collection method: clinical testing. Allele origin: germline.
Comment: This sequence change replaces proline, which is neutral and non-polar, with serine, which is neutral and polar, at codon 1202 of the DEPDC5 protein (p.Pro1202Ser). The frequency data for this variant in the population databases is considered unreliable, as metrics indicate poor data quality at this position in the gnomAD database. This variant has not been reported in the literature in individuals affected with DEPDC5-related conditions. ClinVar contains an entry for this variant (Variation ID: 3363659). Experimental studies and prediction algorithms are not available or were not evaluated, and the functional significance of this variant is currently unknown. In summary, the available evidence is currently insufficient to determine the role of this variant in disease. Therefore, it has been classified as a Variant of Uncertain Significance.

GeneDx
Classification: Uncertain significance. Last evaluated: 2023-10-31. Review status: criteria provided, single submitter. Criteria: GeneDx Variant Classification Process June 2021. Collection method: clinical testing. Allele origin: germline. Affected: yes.
Comment: Not observed at significant frequency in large population cohorts (gnomAD); In silico analysis supports that this missense variant does not alter protein structure/function; Has not been previously published as pathogenic or benign to our knowledge